The following is an entry in ClinVar:

NM_001352514.2(HLCS):c.2345A>G (p.Tyr782Cys)

Gene: HLCS (holocarboxylase synthetase; minus strand). Cytogenetic location: 21q22.13.
Variant type: single nucleotide variant.
Coding change: c.2345A>G on transcript NM_001352514.2 (MANE Select); coding-DNA position 2345, A replaced by G.
Protein change: p.Tyr782Cys; replaces tyrosine 782 with cysteine.
Molecular consequence: missense variant. On other transcripts: non-coding transcript variant (2).
Genome position (GRCh38, 1-based): chr21:36,756,647, T>C on the plus strand (A>G on the coding strand, the complement: HLCS is on the minus strand). VCF-style: chr21-36756647-T-C. GRCh37 (hg19) VCF-style: chr21-38128948-T-C.
Other names: c.1904A>G, p.Tyr635Cys (NM_000411.8, NM_001242784.3, NM_001242785.2 and 4 more transcripts); short protein forms Y782C, Y635C.
Identifiers: ClinVar variation 945984 (VCV000945984.13), dbSNP rs200453837, ClinGen allele CA10020288.
Genomic context (GRCh38, chr21:36,756,647, plus strand): 5'-CCTTTGTCCTGAAACTCTTTGATCAGTTTCTCCAGCACAGTCACGACTCTGGCGATGAGA[T>C]AATCGGCTCTTAAGGGCTTCAGTTCTGCCTTGTGTTGTTTATTGTATTCTGTGATGAGGT-3'
Protein context (NP_001339443.1, residues 772-792): KAELKPLRAD[Tyr782Cys]LIARVVTVLE

ClinVar aggregate classification (germline): Conflicting classifications of pathogenicity. Review status: criteria provided, conflicting classifications (1 of 4 stars). 5 submissions from 5 submitters: Uncertain significance (2); Likely benign (2). 1 of the submissions does not count toward it. Last evaluated 2025-11-21.

Conditions:
Inborn genetic diseases. Identifiers: MedGen C0950123, MeSH D030342.
Holocarboxylase synthetase deficiency. Also called: MULTIPLE CARBOXYLASE DEFICIENCY, EARLY ONSET. Identifiers: Orphanet 79242, MedGen C0268581, MONDO:0009666, OMIM 253270.

Allele frequency attached by ClinVar (database versions not stated): gnomAD exomes 0.00001 and 0.00004; ExAC 0.00006; ESP Exome Variant Server 0.00008; gnomAD 0.00011 and 0.00012; TOPMed 0.00011; 1000 Genomes Project 30x 0.00016; 1000 Genomes Project 0.00020.
gnomAD v4.1: 36 of 1,614,158 alleles (0.0022%); highest among the groups gnomAD compares: African/African-American, 0.039%; no homozygotes.

Submissions (5):

Labcorp Genetics (formerly Invitae), Labcorp
Classification: Likely benign for Holocarboxylase synthetase deficiency. Last evaluated: 2025-11-21. Review status: criteria provided, single submitter. Criteria: Invitae Variant Classification Sherloc (09022015). Collection method: clinical testing. Allele origin: germline.

Department of Pathology and Laboratory Medicine, Sinai Health System
Classification: Uncertain significance for Holocarboxylase synthetase deficiency. Last evaluated: 2022-04-04. Review status: criteria provided, single submitter. Criteria: ACMG Guidelines, 2015. Collection method: research. Allele origin: germline.

Ambry Genetics
Classification: Likely benign for Inborn genetic diseases. Last evaluated: 2021-07-09. Review status: criteria provided, single submitter. Criteria: Ambry Variant Classification Scheme 2023. Collection method: clinical testing. Allele origin: germline.

GeneDx
Classification: Uncertain significance. Last evaluated: 2019-09-18. Review status: criteria provided, single submitter. Criteria: GeneDx Variant Classification Process June 2021. Collection method: clinical testing. Allele origin: germline. Affected: yes.
Comment: In silico analysis, which includes protein predictors and evolutionary conservation, supports that this variant does not alter protein structure/function; Has not been previously published as pathogenic or benign to our knowledge

Natera, Inc.
Classification: Uncertain significance for Holocarboxylase synthetase deficiency. Last evaluated: 2020-10-06. Review status: no assertion criteria provided. Collection method: clinical testing. Allele origin: germline. Not counted in ClinVar's aggregate classification.